The following is an entry in ClinVar:

NM_005359.6(SMAD4):c.687G>T (p.Leu229=)

Gene: SMAD4 (SMAD family member 4; plus strand). Cytogenetic location: 18q21.2.
Variant type: single nucleotide variant.
Coding change: c.687G>T on transcript NM_005359.6 (MANE Select); coding-DNA position 687, G replaced by T.
Protein change: p.Leu229=; no amino-acid change (leucine 229 retained).
Molecular consequence: synonymous variant. On other transcripts: non-coding transcript variant (2).
Genome position (GRCh38, 1-based): chr18:51,058,144, G>T. VCF-style: chr18-51058144-G-T. GRCh37 (hg19) VCF-style: chr18-48584514-G-T.
Other names: c.687G>T, p.Leu229= (NM_001407041.1, NM_001407042.1, NM_001407043.1).
Identifiers: ClinVar variation 2807931 (VCV002807931.5), dbSNP rs776840348, ClinGen allele CA8965888.

ClinVar aggregate classification (germline): Benign/Likely benign. Review status: criteria provided, multiple submitters, no conflicts (2 of 4 stars). 3 submissions from 3 submitters: Benign (1); Likely benign (2). Last evaluated 2025-03-19.

Conditions:
Juvenile polyposis/hereditary hemorrhagic telangiectasia syndrome (JPHT). Also called: JP/HHT SYNDROME; JUVENILE POLYPOSIS WITH HEREDITARY HEMORRHAGIC TELANGIECTASIA; POLYPOSIS, GENERALIZED JUVENILE, WITH PULMONARY ARTERIOVENOUS MALFORMATION; TELANGIECTASIA, HEREDITARY HEMORRHAGIC, WITH JUVENILE POLYPOSIS COLI; Juvenile Polyposis Syndrome / Hereditary Hemorrhagic Telangiectasia (JPS/HHT). Identifiers: Orphanet 2929, MedGen C1832942, MONDO:0008278, OMIM 175050.
Juvenile polyposis syndrome (JPS). Identifiers: Orphanet 2929, MedGen C0345893, MONDO:0017380, OMIM 174900.
Hereditary cancer-predisposing syndrome. Also called: Neoplastic Syndromes, Hereditary; Tumor predisposition; Hereditary neoplastic syndrome; Hereditary Cancer Syndrome. Identifiers: Orphanet 140162, MedGen C0027672, MeSH D009386, MONDO:0015356.
Familial thoracic aortic aneurysm and aortic dissection (TAAD). Also called: Thoracic aortic aneurysms and dissections. Identifiers: Orphanet 91387, MedGen C4707243, MONDO:0019625.

Allele frequency attached by ClinVar (database versions not stated): ExAC 0.00001.

Submissions (3):

Myriad Genetics, Inc.
Classification: Benign for Juvenile polyposis/hereditary hemorrhagic telangiectasia syndrome. Last evaluated: 2025-03-19. Review status: criteria provided, single submitter. Criteria: Myriad Autosomal Dominant, Autosomal Recessive and X-Linked Classification Criteria (2023). Collection method: clinical testing. Allele origin: unknown.
Comment: This variant is considered benign. This variant is a silent/synonymous amino acid change and it is not expected to impact splicing.

Ambry Genetics
Classification: Likely benign for Hereditary cancer-predisposing syndrome; Familial thoracic aortic aneurysm and aortic dissection. Last evaluated: 2023-08-02. Review status: criteria provided, single submitter. Criteria: Ambry Variant Classification Scheme 2023. Collection method: clinical testing. Allele origin: germline.

Labcorp Genetics (formerly Invitae), Labcorp
Classification: Likely benign for Juvenile polyposis syndrome. Last evaluated: 2023-04-06. Review status: criteria provided, single submitter. Criteria: Invitae Variant Classification Sherloc (09022015). Collection method: clinical testing. Allele origin: germline.